The following is an entry in ClinVar:

ClinVar aggregate classification (germline): Uncertain significance. Review status: criteria provided, multiple submitters, no conflicts (2 of 4 stars). 2 submissions from 2 submitters: Uncertain significance (2). Last evaluated 2024-06-26.

Conditions:
Familial sleep-related hypermotor epilepsy. Also called: Autosomal Dominant Sleep-Related Hypermotor (Hyperkinetic) Epilepsy. Identifiers: Orphanet 98784, MedGen C3696898, MONDO:0000030.

Submissions (2):

Women's Health and Genetics/Laboratory Corporation of America, LabCorp
Classification: Uncertain significance. Last evaluated: 2024-06-26. Review status: criteria provided, single submitter. Criteria: LabCorp Variant Classification Summary - May 2015. Collection method: clinical testing. Allele origin: germline.
Comment: Variant summary: CHRNB2 c.2T>A (p.Met1?, aka p.Met1Lys) alters the initiation codon and is predicted to result either in absence of the protein or truncation of the encoded protein due to translation initiation at a downstream codon. The first potential downstream in-frame start codon (ATG) is located at Met61, which is not a known initiation codon in alternative transcripts. To our knowledge, no pathogenic missense/in-frame variants have been reported upstream of Met61 (ClinVar). The frequency data for this variant in gnomAD is considered unreliable, as metrics indicate poor data quality at this position, however other start-loss variants are reported in heterozygous carriers. To our knowledge, no occurrence of c.2T>A in individuals affected with Autosomal Dominant Nocturnal Frontal Lobe Epilepsy 3 and no experimental evidence demonstrating its impact on protein function have been reported. ClinVar contains an entry for this variant (Variation ID: 1475973). Based on the evidence outlined above, the variant was classified as uncertain significance.

Labcorp Genetics (formerly Invitae), Labcorp
Classification: Uncertain significance. Last evaluated: 2022-11-08. Review status: criteria provided, single submitter. Criteria: Invitae Variant Classification Sherloc (09022015). Collection method: clinical testing. Allele origin: germline.
Comment: In summary, the available evidence is currently insufficient to determine the role of this variant in disease. Therefore, it has been classified as a Variant of Uncertain Significance. Experimental studies and prediction algorithms are not available or were not evaluated, and the functional significance of this variant is currently unknown. ClinVar contains an entry for this variant (Variation ID: 1475973). This variant has not been reported in the literature in individuals affected with CHRNB2-related conditions. This variant is not present in population databases (gnomAD no frequency). This sequence change affects the initiator methionine of the CHRNB2 mRNA. The next in-frame methionine is located at codon 61.

NM_000748.3(CHRNB2):c.2T>A (p.Met1Lys)

Genes: CHRNB2 (cholinergic receptor nicotinic beta 2 subunit; plus strand), LOC129931511 (ATAC-STARR-seq lymphoblastoid silent region 1363; plus strand). Cytogenetic location: 1q21.3.
Variant type: single nucleotide variant.
Coding change: c.2T>A on transcript NM_000748.3 (MANE Select); coding-DNA position 2, T replaced by A.
Protein change: p.Met1Lys; changes the start codon (methionine 1).
Molecular consequence: missense variant, initiator codon variant.
Genome position (GRCh38, 1-based): chr1:154,568,046, T>A. VCF-style: chr1-154568046-T-A. GRCh37 (hg19) VCF-style: chr1-154540522-T-A.
Other names: short protein forms M1K.
Identifiers: ClinVar variation 1475973 (VCV001475973.8), dbSNP rs1430279652, ClinGen allele CA342629032.
Genomic context (GRCh38, chr1:154,568,046, plus strand): 5'-CCTCCCCCCGGCGGCGCGCTCCAGCCGGTGTAGGCGAGGCAGCGAGCTATGCCCGCGGCA[T>A]GGCCCGGCGCTGCGGCCCCGTGGCGCTGCTCCTTGGCTTCGGCCTCCTCCGGCTGTGCTC-3'
Protein context (NP_000739.1, residues 1-11): [Met1Lys]ARRCGPVALL